The following is an entry in ClinVar:

NM_020117.11(LARS1):c.968T>G (p.Ile323Arg)

Gene: LARS1 (leucyl-tRNA synthetase 1; minus strand). Cytogenetic location: 5q32.
Variant type: single nucleotide variant.
Coding change: c.968T>G on transcript NM_020117.11 (MANE Select); coding-DNA position 968, T replaced by G.
Protein change: p.Ile323Arg; replaces isoleucine 323 with arginine.
Molecular consequence: missense variant.
Genome position (GRCh38, 1-based): chr5:146,157,500, A>C on the plus strand (T>G on the coding strand, the complement: LARS1 is on the minus strand). VCF-style: chr5-146157500-A-C. GRCh37 (hg19) VCF-style: chr5-145537063-A-C.
Other names: c.830T>G, p.Ile277Arg (NM_001317964.2); c.806T>G, p.Ile269Arg (NM_001317965.2); c.887T>G, p.Ile296Arg (NM_016460.4); short protein forms I269R, I277R, I296R, I323R.
Identifiers: ClinVar variation 3370697 (VCV003370697.1).

ClinVar aggregate classification (germline): Uncertain significance (1 of 4 stars; one submission).

gnomAD v4.1: 1 of 1,614,046 alleles (0.000062%); highest among the groups gnomAD compares: African/African-American, 0.0013%; no homozygotes.

Submission:

GeneDx
Classification: Uncertain significance. Last evaluated: 2024-03-12. Review status: criteria provided, single submitter. Criteria: GeneDx Variant Classification Process June 2021. Collection method: clinical testing. Allele origin: germline. Affected: yes.
Comment: Has not been previously published as pathogenic or benign to our knowledge; Not observed at significant frequency in large population cohorts (gnomAD); In silico analysis supports that this missense variant has a deleterious effect on protein structure/function